The following is an entry in ClinVar:

NM_007327.4(GRIN1):c.1273A>C (p.Thr425Pro)

Gene: GRIN1 (glutamate ionotropic receptor NMDA type subunit 1; plus strand). Cytogenetic location: 9q34.3.
Variant type: single nucleotide variant.
Coding change: c.1273A>C on transcript NM_007327.4 (MANE Select); coding-DNA position 1273, A replaced by C.
Protein change: p.Thr425Pro; replaces threonine 425 with proline.
Molecular consequence: missense variant.
Genome position (GRCh38, 1-based): chr9:137,161,131, A>C. VCF-style: chr9-137161131-A-C. GRCh37 (hg19) VCF-style: chr9-140055583-A-C.
Other names: c.1273A>C, p.Thr425Pro (NM_000832.7, NM_021569.4); c.1336A>C, p.Thr446Pro (NM_001185090.2, NM_001185091.2); short protein forms T425P, T446P.
Identifiers: ClinVar variation 1378866 (VCV001378866.8), dbSNP rs373607422, ClinGen allele CA5360881.

ClinVar aggregate classification (germline): Uncertain significance (1 of 4 stars; one submission).

Conditions:
Neurodevelopmental disorder with or without hyperkinetic movements and seizures, autosomal dominant. Also called: Intellectual disability, autosomal dominant 8. Identifiers: MedGen C3280282, MONDO:0013655, OMIM 614254.

Allele frequency attached by ClinVar (database versions not stated): TOPMed below 0.00001; ExAC 0.00001; gnomAD 0.00001; ESP Exome Variant Server 0.00008.
gnomAD v4.1: 1 of 1,612,674 alleles (0.000062%); highest among the groups gnomAD compares: Non-Finnish European, 0.000085%; no homozygotes.

Submission:

Labcorp Genetics (formerly Invitae), Labcorp
Classification: Uncertain significance for Neurodevelopmental disorder with or without hyperkinetic movements and seizures, autosomal dominant. Last evaluated: 2022-10-17. Review status: criteria provided, single submitter. Criteria: Invitae Variant Classification Sherloc (09022015). Collection method: clinical testing. Allele origin: germline.
Comment: Algorithms developed to predict the effect of missense changes on protein structure and function (SIFT, PolyPhen-2, Align-GVGD) all suggest that this variant is likely to be tolerated. This sequence change replaces threonine, which is neutral and polar, with proline, which is neutral and non-polar, at codon 425 of the GRIN1 protein (p.Thr425Pro). This variant is not present in population databases (gnomAD no frequency). This variant has not been reported in the literature in individuals affected with GRIN1-related conditions. ClinVar contains an entry for this variant (Variation ID: 1378866). In summary, the available evidence is currently insufficient to determine the role of this variant in disease. Therefore, it has been classified as a Variant of Uncertain Significance.